The following is an entry in ClinVar:

ClinVar aggregate classification (germline): Pathogenic (1 of 4 stars; one submission).

Submission:

Labcorp Genetics (formerly Invitae), Labcorp
Classification: Pathogenic. Last evaluated: 2021-05-19. Review status: criteria provided, single submitter. Criteria: Invitae Variant Classification Sherloc (09022015). Collection method: clinical testing. Allele origin: germline.
Comment: For these reasons, this variant has been classified as Pathogenic. This variant disrupts the C-terminus of the ASXL1 protein. Other variant(s) that disrupt this region (p.Glu1400*) have been determined to be pathogenic (PMID: 31969346). This suggests that variants that disrupt this region of the protein are likely to be causative of disease. This variant has not been reported in the literature in individuals with ASXL1-related conditions. This variant is not present in population databases (ExAC no frequency). This sequence change creates a premature translational stop signal (p.Ser714*) in the ASXL1 gene. While this is not anticipated to result in nonsense mediated decay, it is expected to disrupt the last 827 amino acid(s) of the ASXL1 protein.

Literature cited by the submitters: PubMed 31969346.

NM_015338.6(ASXL1):c.2141_2142del (p.Met713_Ser714insTer)

Gene: ASXL1 (ASXL transcriptional regulator 1; plus strand). Cytogenetic location: 20q11.21.
Variant type: Deletion.
Coding change: c.2141_2142del on transcript NM_015338.6 (MANE Select); coding-DNA positions 2141 to 2142, 2 bases deleted (CC; older notation c.2141_2142delCC).
Protein change: p.Met713_Ser714insTer.
Molecular consequence: nonsense.
Genome position (GRCh38, 1-based): chr20:32,434,853-32,434,854, CC deleted. VCF-style (leftmost placement, unchanged base first): chr20-32434852-TCC-T. GRCh37 (hg19) VCF-style: chr20-31022655-TCC-T.
Other names: c.1958_1959del, p.Met652_Ser653insTer (NM_001363734.1).
Identifiers: ClinVar variation 1453118 (VCV001453118.8), dbSNP rs2145363966, ClinGen allele CA2573156973.